The following is an entry in ClinVar:

NM_004006.3(DMD):c.8284del (p.Ile2762fs)

Gene: DMD (dystrophin; minus strand). Cytogenetic location: Xp21.1.
Variant type: Deletion.
Coding change: c.8284del on transcript NM_004006.3 (MANE Select); coding-DNA position 8284, one base deleted (A; older notation c.8284delA).
Protein change: p.Ile2762fs; shifts the reading frame from isoleucine 2762.
Molecular consequence: frameshift variant.
Genome position (GRCh38, 1-based): chrX:31,507,387, T deleted on the plus strand (A on the coding strand, the reverse complement: DMD is on the minus strand); the first of 6 consecutive T bases (chrX:31,507,387-31,507,392); deleting any one gives the same sequence. VCF-style (leftmost placement, unchanged base first): chrX-31507386-AT-A. GRCh37 (hg19) VCF-style: chrX-31525503-AT-A.
Other names: c.8260del, p.Ile2754fs (NM_000109.4); c.8272del, p.Ile2758fs (NM_004009.3); c.7915del, p.Ile2639fs (NM_004010.3); c.4261del, p.Ile1421fs (NM_004011.4); c.4252del, p.Ile1418fs (NM_004012.4); c.904del, p.Ile302fs (NM_004013.3, NM_004020.4, NM_004021.3 and 2 more transcripts); c.97del, p.Ile33fs (NM_004014.3); short protein forms I2639fs, I2758fs, I1418fs, I2754fs, I2762fs, I33fs, I1421fs, I302fs.
Identifiers: ClinVar variation 1437984 (VCV001437984.6), dbSNP rs2071057426, ClinGen allele CA645606235.
Genomic context (GRCh38, chrX:31,507,386, plus strand): 5'-ATGTTATCCAAACGTCTTTGTAACAGGACTGCATCATCGGAACCTTCCAGGGATCTCAGG[AT>A]TTTTTGGCTGTTTTCATCCAGGTTGTGATAAACATCTGTGTGAGCTTCAATTTCACCTTG-3'

ClinVar aggregate classification (germline): Pathogenic (1 of 4 stars; one submission).

Conditions:
Duchenne muscular dystrophy (DMD). Also called: Duchenne Muscular Dystrophy (DMD); MUSCULAR DYSTROPHY, PSEUDOHYPERTROPHIC PROGRESSIVE, DUCHENNE TYPE. Identifiers: Orphanet 98896, MedGen C0013264, MONDO:0010679, OMIM 310200.

Submission:

Labcorp Genetics (formerly Invitae), Labcorp
Classification: Pathogenic for Duchenne muscular dystrophy. Last evaluated: 2021-09-20. Review status: criteria provided, single submitter. Criteria: Invitae Variant Classification Sherloc (09022015). Collection method: clinical testing. Allele origin: germline.
Comment: This variant is not present in population databases (ExAC no frequency). This sequence change creates a premature translational stop signal (p.Ile2762Serfs*2) in the DMD gene. It is expected to result in an absent or disrupted protein product. Loss-of-function variants in DMD are known to be pathogenic (PMID: 16770791, 25007885). This variant has not been reported in the literature in individuals affected with DMD-related conditions. For these reasons, this variant has been classified as Pathogenic.

Literature cited by the submitters: PubMed 16770791; PubMed 25007885.